The following is an entry in ClinVar:

NM_020066.5(FMN2):c.3296C>T (p.Pro1099Leu)

Gene: FMN2 (formin 2; plus strand). Cytogenetic location: 1q43.
Variant type: single nucleotide variant.
Coding change: c.3296C>T on transcript NM_020066.5 (MANE Select); coding-DNA position 3296, C replaced by T.
Protein change: p.Pro1099Leu; replaces proline 1099 with leucine.
Molecular consequence: missense variant. On other transcripts: intron variant (1).
Genome position (GRCh38, 1-based): chr1:240,208,108, C>T. VCF-style: chr1-240208108-C-T. GRCh37 (hg19) VCF-style: chr1-240371408-C-T.
Other names: c.3308C>T, p.Pro1103Leu (NM_001305424.2); c.1986+19846C>T (NM_001348094.2); short protein forms P1099L, P1103L.
Identifiers: ClinVar variation 4881790 (VCV004881790.2).

ClinVar aggregate classification (germline): Uncertain significance (1 of 4 stars; one submission).

gnomAD v4.1: 51 of 1,113,638 alleles (0.0046%); highest among the groups gnomAD compares: African/African-American, 0.073%; no homozygotes.

Submission:

Dasa
Classification: Uncertain significance. Last evaluated: 2025-06-27. Review status: criteria provided, single submitter. Criteria: DASA Assertion Criteria. Collection method: clinical testing. Allele origin: germline.
Comment: NM_020066.5(FMN2):c.3296C>T (p.Pro1099Leu) is a missense variant that results in the substitution of proline with leucine. This variant is rare in population databases. Computational prediction algorithms are consistent with a benign effect. The currently available literature and clinical evidence are not sufficient to establish a definitive association between this variant and the reported condition. Therefore, this variant is classified as a variant of uncertain significance.